The following is an entry in ClinVar:

NM_000535.5:c.2448_2449insTCTCATTGTGTCTCACACTCATTGTGTCTCACACTCAGGTG

Gene: PMS2 (PMS1 homolog 2, mismatch repair system component; minus strand).
Variant type: Insertion.
Identifiers: ClinVar variation 3421475 (VCV003421475.1).

ClinVar aggregate classification (germline): Pathogenic (1 of 4 stars; one submission).

Conditions:
Hereditary cancer-predisposing syndrome. Also called: Neoplastic Syndromes, Hereditary; Tumor predisposition; Hereditary Cancer Syndrome; Hereditary neoplastic syndrome. Identifiers: Orphanet 140162, MedGen C0027672, MeSH D009386, MONDO:0015356.

Submission:

Ambry Genetics
Classification: Pathogenic for Hereditary cancer-predisposing syndrome. Last evaluated: 2024-08-07. Review status: criteria provided, single submitter. Criteria: Ambry Variant Classification Scheme 2023. Collection method: clinical testing. Allele origin: germline.
Comment: The c.2448_2449ins41 variant, located in coding exon 15 of the PMS2 gene, results from an insertion of 41 nucleotides (TCTCATTGTGTCTCACACTCATTGTGTCTCACACTCAGGTG) between nucleotide positions 2448 and 2449, causing a translational frameshift with a predicted alternate stop codon (p.M817Sfs*14). This alteration occurs at the 3' terminus of thePMS2 gene, is not expected to trigger nonsense-mediated mRNA decay, and only impacts the last 5% of the protein. However, premature stop codons are typically deleterious in nature, the impacted region is critical for protein function, and a significant portion of the protein is affected (Ambry internal data). As such, this alteration is interpreted as a disease-causing mutation.